The following is an entry in ClinVar:

ClinVar aggregate classification (germline): Uncertain significance (1 of 4 stars; one submission).

Submission:

CeGaT Center for Human Genetics Tuebingen
Classification: Uncertain significance. Last evaluated: 2025-05-01. Review status: criteria provided, single submitter. Criteria: CeGaT Center For Human Genetics Tuebingen Variant Classification Criteria Version 2. Collection method: clinical testing. Allele origin: germline. Affected: yes. Observed: 1 variant allele.
Comment: SLC2A1: PM2, PP2, BP4

NM_006516.4(SLC2A1):c.532T>A (p.Ser178Thr)

Gene: SLC2A1 (solute carrier family 2 member 1; minus strand). Cytogenetic location: 1p34.2.
Variant type: single nucleotide variant.
Coding change: c.532T>A on transcript NM_006516.4 (MANE Select); coding-DNA position 532, T replaced by A.
Protein change: p.Ser178Thr; replaces serine 178 with threonine.
Molecular consequence: missense variant.
Genome position (GRCh38, 1-based): chr1:42,930,020, A>T on the plus strand (T>A on the coding strand, the complement: SLC2A1 is on the minus strand). VCF-style: chr1-42930020-A-T. GRCh37 (hg19) VCF-style: chr1-43395691-A-T.
Other names: short protein forms S178T.
Identifiers: ClinVar variation 3905914 (VCV003905914.10).